The following is an entry in ClinVar:

ClinVar aggregate classification (germline): Conflicting classifications of pathogenicity. Review status: criteria provided, conflicting classifications (1 of 4 stars). 3 submissions from 3 submitters: Uncertain significance (2); Likely benign (1). Last evaluated 2026-01-29.

Conditions:
Wilms tumor 1 (WT1). Also called: Wilms tumor, somatic. Identifiers: Orphanet 654, MedGen CN033288, MONDO:0008679, OMIM 194070.
Simpson-Golabi-Behmel syndrome type 1 (SGBS1). Also called: GPC3-Related Simpson-Golabi-Behmel Syndrome Type 1; SIMPSON DYSMORPHIA SYNDROME; BULLDOG SYNDROME; DYSPLASIA GIGANTISM SYNDROME, X-LINKED; GOLABI-ROSEN SYNDROME. Identifiers: Orphanet 373, MedGen C0796154, MONDO:0020602, OMIM 312870.

Allele frequency attached by ClinVar (database versions not stated): gnomAD exomes below 0.00001.
gnomAD v4.1: 2 of 1,189,831 alleles (0.00017%); highest among the groups gnomAD compares: Middle Eastern, 0.049%; no homozygotes.

Submissions (3):

Centre for Medical Genetics,  Mumbai
Classification: Likely benign for Simpson-Golabi-Behmel syndrome type 1. Last evaluated: 2026-01-29. Review status: criteria provided, single submitter. Criteria: ACMG Guidelines, 2015. Collection method: provider interpretation. Allele origin: germline. Inheritance: X-linked inheritance. Affected: no. Observed: 1 homozygote.
Comment: The variant satisfies PM2 criteria; Extremely low frequency in gnomAD population databases. The variant satisfies PP3 criteria; For a missense or a splicing region variant, computational prediction tools unanimously support a deleterious effect on the gene. However, the variant satisfies the BS2 criteria; present in an individual that clinically does not have Simpson-Golabi-Behmel syndrome.

Labcorp Genetics (formerly Invitae), Labcorp
Classification: Uncertain significance for Wilms tumor 1. Last evaluated: 2024-12-30. Review status: criteria provided, single submitter. Criteria: Invitae Variant Classification Sherloc (09022015). Collection method: clinical testing. Allele origin: germline.
Comment: This sequence change replaces cysteine, which is neutral and slightly polar, with arginine, which is basic and polar, at codon 349 of the GPC3 protein (p.Cys349Arg). This variant is not present in population databases (gnomAD no frequency). This variant has not been reported in the literature in individuals affected with GPC3-related conditions. ClinVar contains an entry for this variant (Variation ID: 959164). Invitae Evidence Modeling of protein sequence and biophysical properties (such as structural, functional, and spatial information, amino acid conservation, physicochemical variation, residue mobility, and thermodynamic stability) indicates that this missense variant is expected to disrupt GPC3 protein function with a positive predictive value of 80%. In summary, the available evidence is currently insufficient to determine the role of this variant in disease. Therefore, it has been classified as a Variant of Uncertain Significance.

Genomic Medicine Center of Excellence, King Faisal Specialist Hospital and Research Centre
Classification: Uncertain significance for Simpson-Golabi-Behmel syndrome type 1. Last evaluated: 2024-04-04. Review status: criteria provided, single submitter. Criteria: ACMG Guidelines, 2015. Collection method: clinical testing. Allele origin: germline.

Literature cited by the submitters: PubMed 8589713 (cited by Centre for Medical Genetics,  Mumbai).

NM_004484.4(GPC3):c.1045T>C (p.Cys349Arg)

Gene: GPC3 (glypican 3; minus strand). Cytogenetic location: Xq26.2.
Variant type: single nucleotide variant.
Coding change: c.1045T>C on transcript NM_004484.4 (MANE Select); coding-DNA position 1045, T replaced by C.
Protein change: p.Cys349Arg; replaces cysteine 349 with arginine.
Molecular consequence: missense variant.
Genome position (GRCh38, 1-based): chrX:133,700,016, A>G on the plus strand (T>C on the coding strand, the complement: GPC3 is on the minus strand). VCF-style: chrX-133700016-A-G. GRCh37 (hg19) VCF-style: chrX-132834044-A-G.
Other names: c.1114T>C, p.Cys372Arg (NM_001164617.2); c.997T>C, p.Cys333Arg (NM_001164618.2); c.883T>C, p.Cys295Arg (NM_001164619.2); short protein forms C349R, C333R, C295R, C372R.
Identifiers: ClinVar variation 959164 (VCV000959164.10), dbSNP rs2071153160, ClinGen allele CA414700198.